The following is an entry in ClinVar:

NM_000260.4(MYO7A):c.3891C>G (p.Phe1297Leu)

Gene: MYO7A (myosin VIIA; plus strand). Cytogenetic location: 11q13.5.
Variant type: single nucleotide variant.
Coding change: c.3891C>G on transcript NM_000260.4 (MANE Select); coding-DNA position 3891, C replaced by G.
Protein change: p.Phe1297Leu; replaces phenylalanine 1297 with leucine.
Molecular consequence: missense variant.
Genome position (GRCh38, 1-based): chr11:77,190,837, C>G. VCF-style: chr11-77190837-C-G. GRCh37 (hg19) VCF-style: chr11-76901882-C-G.
Other names: c.3891C>G, p.Phe1297Leu (NM_001127180.2); c.3858C>G, p.Phe1286Leu (NM_001369365.1); c.3891C>G (NM_000260.3); short protein forms F1286L, F1297L.
Identifiers: ClinVar variation 1462559 (VCV001462559.9), dbSNP rs375475374, ClinGen allele CA381947890.

ClinVar aggregate classification (germline): Uncertain significance. Review status: criteria provided, single submitter (1 of 4 stars). 2 submissions from 2 submitters: Uncertain significance (1). 1 of the submissions does not count toward it. Last evaluated 2023-10-03.

Conditions:
Usher syndrome type 1B (USH1B). Also called: Usher syndrome type IB. Identifiers: MedGen C1848638, MONDO:0700087.

Submissions (2):

Labcorp Genetics (formerly Invitae), Labcorp
Classification: Uncertain significance. Last evaluated: 2023-10-03. Review status: criteria provided, single submitter. Criteria: Invitae Variant Classification Sherloc (09022015). Collection method: clinical testing. Allele origin: germline.
Comment: This sequence change replaces phenylalanine, which is neutral and non-polar, with leucine, which is neutral and non-polar, at codon 1297 of the MYO7A protein (p.Phe1297Leu). This variant is not present in population databases (gnomAD no frequency). This variant has not been reported in the literature in individuals affected with MYO7A-related conditions. ClinVar contains an entry for this variant (Variation ID: 1462559). Advanced modeling of protein sequence and biophysical properties (such as structural, functional, and spatial information, amino acid conservation, physicochemical variation, residue mobility, and thermodynamic stability) performed at Invitae indicates that this missense variant is not expected to disrupt MYO7A protein function. In summary, the available evidence is currently insufficient to determine the role of this variant in disease. Therefore, it has been classified as a Variant of Uncertain Significance.

Natera, Inc.
Classification: Uncertain significance for Usher syndrome type 1B. Last evaluated: 2025-05-21. Review status: no assertion criteria provided. Collection method: clinical testing. Allele origin: germline. Not counted in ClinVar's aggregate classification.